The following is an entry in ClinVar:

NM_024422.6(DSC2):c.667C>T (p.Pro223Ser)

Gene: DSC2 (desmocollin 2; minus strand). Cytogenetic location: 18q12.1.
Variant type: single nucleotide variant.
Coding change: c.667C>T on transcript NM_024422.6 (MANE Select); coding-DNA position 667, C replaced by T.
Protein change: p.Pro223Ser; replaces proline 223 with serine.
Molecular consequence: missense variant.
Genome position (GRCh38, 1-based): chr18:31,087,777, G>A on the plus strand (C>T on the coding strand, the complement: DSC2 is on the minus strand). VCF-style: chr18-31087777-G-A. GRCh37 (hg19) VCF-style: chr18-28667740-G-A.
Other names: c.667C>T, p.Pro223Ser (NM_004949.5); short protein forms P223S.
Identifiers: ClinVar variation 918797 (VCV000918797.16), dbSNP rs762722282, ClinGen allele CA039343.

ClinVar aggregate classification (germline): Conflicting classifications of pathogenicity. Review status: criteria provided, conflicting classifications (1 of 4 stars). 6 submissions from 6 submitters: Uncertain significance (5); Likely benign (1). Last evaluated 2024-07-11.

Conditions:
Cardiovascular phenotype. Identifiers: MedGen CN230736.
Arrhythmogenic right ventricular dysplasia 11. Also called: ARRHYTHMOGENIC RIGHT VENTRICULAR DYSPLASIA, FAMILIAL, 11; Arrhythmogenic Right Ventricular Dysplasia/Cardiomyopathy11; Arrhythmogenic right ventricular dysplasia 11 with mild palmoplantar keratoderma and woolly hair. Identifiers: MedGen C1864850, MONDO:0012506, OMIM 610476.
Cardiomyopathy (CMYO). Also called: Cardiomyopathies. Identifiers: Orphanet 167848, MedGen C0878544, MONDO:0004994, HP:0001638. Inheritance: Various modes of inheritance.

Allele frequency attached by ClinVar (database versions not stated): gnomAD exomes below 0.00001; ExAC 0.00001.
gnomAD v4.1: 1 of 1,613,848 alleles (0.000062%); highest among the groups gnomAD compares: Middle Eastern, 0.017%; no homozygotes.

Submissions (6):

ARUP Laboratories, Molecular Genetics and Genomics, ARUP Laboratories
Classification: Uncertain significance. Last evaluated: 2024-07-11. Review status: criteria provided, single submitter. Criteria: ARUP Molecular Germline Variant Investigation Process 2024. Collection method: clinical testing. Allele origin: germline.
Comment: The DSC2 c.667C>T; p.Pro223Ser variant (rs762722282), to our knowledge, is not reported in the medical literature but is reported in ClinVar (Variation ID: 918797). This variant is only observed on one allele in the Genome Aggregation Database (v2.1.1), indicating it is not a common polymorphism. Computational analyses predict that this variant is neutral (REVEL: 0.113). However, given the lack of clinical and functional data, the significance of this variant is uncertain at this time.

Ambry Genetics
Classification: Likely benign for Cardiovascular phenotype. Last evaluated: 2024-06-14. Review status: criteria provided, single submitter. Criteria: Ambry Variant Classification Scheme 2023. Collection method: clinical testing. Allele origin: germline.

GeneDx
Classification: Uncertain significance. Last evaluated: 2023-03-10. Review status: criteria provided, single submitter. Criteria: GeneDx Variant Classification Process June 2021. Collection method: clinical testing. Allele origin: germline. Affected: yes.
Comment: Has not been previously published as pathogenic or benign to our knowledge; Not observed at significant frequency in large population cohorts (gnomAD); In silico analysis supports that this missense variant has a deleterious effect on protein structure/function

Labcorp Genetics (formerly Invitae), Labcorp
Classification: Uncertain significance for Arrhythmogenic right ventricular dysplasia 11. Last evaluated: 2022-09-03. Review status: criteria provided, single submitter. Criteria: Invitae Variant Classification Sherloc (09022015). Collection method: clinical testing. Allele origin: germline.
Comment: This sequence change replaces proline, which is neutral and non-polar, with serine, which is neutral and polar, at codon 223 of the DSC2 protein (p.Pro223Ser). This variant is present in population databases (rs762722282, gnomAD no frequency). This variant has not been reported in the literature in individuals affected with DSC2-related conditions. ClinVar contains an entry for this variant (Variation ID: 918797). In summary, the available evidence is currently insufficient to determine the role of this variant in disease. Therefore, it has been classified as a Variant of Uncertain Significance. Algorithms developed to predict the effect of missense changes on protein structure and function are either unavailable or do not agree on the potential impact of this missense change (SIFT: "Tolerated"; PolyPhen-2: "Possibly Damaging"; Align-GVGD: "Class C0").

Revvity Omics, Revvity
Classification: Uncertain significance for Arrhythmogenic right ventricular dysplasia 11. Last evaluated: 2022-06-30. Review status: criteria provided, single submitter. Criteria: ACMG Guidelines, 2015. Collection method: clinical testing. Allele origin: germline.

Color Diagnostics, LLC DBA Color Health
Classification: Uncertain significance for Cardiomyopathy. Last evaluated: 2019-09-16. Review status: criteria provided, single submitter. Criteria: ACMG Guidelines, 2015. Collection method: clinical testing. Allele origin: germline.
Comment: This missense variant replaces proline with serine at codon 223 of the DSC2 protein. Computational prediction tool suggests that this variant may not impact protein structure and function (internally defined REVEL score threshold ≤0.5, PMID: 27666373). Splice site prediction tools suggest that this variant may not impact RNA splicing. To our knowledge, functional studies have not been performed for this variant. This variant has not been reported in individuals affected with cardiovascular disorders in the literature. This variant has been identified in 1/251226 chromosomes in the general population by the Genome Aggregation Database (gnomAD). The available evidence is insufficient to determine the role of this variant in disease conclusively. Therefore, this variant is classified as a Variant of Uncertain Significance.